The following is an entry in ClinVar:

ClinVar aggregate classification (germline): Conflicting classifications of pathogenicity. Review status: criteria provided, conflicting classifications (1 of 4 stars). 2 submissions from 2 submitters: Uncertain significance (1); Likely benign (1). Last evaluated 2025-03-01.

gnomAD v4.1: 1,270 of 1,612,204 alleles (0.079%); highest among the groups gnomAD compares: Non-Finnish European, 0.091%; no homozygotes.

Submissions (6):

CeGaT Center for Human Genetics Tuebingen
Classification: Uncertain significance. Last evaluated: 2025-03-01. Review status: criteria provided, single submitter. Criteria: CeGaT Center For Human Genetics Tuebingen Variant Classification Criteria Version 2. Collection method: clinical testing. Allele origin: germline. Affected: yes. Observed: 1 variant allele.
Comment: CHD1L: PP3

Blueprint Genetics
Classification: Likely benign. Last evaluated: 2024-11-21. Review status: criteria provided, single submitter. Criteria: ACMG Guidelines, 2015. Collection method: clinical testing. Allele origin: germline.

Dr. Peter K. Rogan Lab, Western University
No classification provided (evidence only). Condition: Clear cell carcinoma of kidney. Review status: no classification provided. Collection method: in vitro. Allele origin: not applicable. Functional consequence: retained intron. Not counted in ClinVar's aggregate classification.

Dr. Peter K. Rogan Lab, Western University
No classification provided (evidence only). Condition: Hepatocellular carcinoma. Review status: no classification provided. Collection method: in vitro. Allele origin: not applicable. Functional consequence: skipped exon, retained intron. Not counted in ClinVar's aggregate classification.

Dr. Peter K. Rogan Lab, Western University
No classification provided (evidence only). Condition: Glioma susceptibility 1. Review status: no classification provided. Collection method: in vitro. Allele origin: not applicable. Functional consequence: skipped exon. Not counted in ClinVar's aggregate classification.

Dr. Peter K. Rogan Lab, Western University
No classification provided (evidence only). Condition: Malignant tumor of esophagus. Review status: no classification provided. Collection method: in vitro. Allele origin: not applicable. Functional consequence: retained intron. Not counted in ClinVar's aggregate classification.

NM_004284.6(CHD1L):c.607G>A (p.Gly203Arg)

Gene: CHD1L (chromodomain helicase DNA binding protein 1 like; plus strand). Cytogenetic location: 1q21.1.
Variant type: single nucleotide variant.
Coding change: c.607G>A on transcript NM_004284.6 (MANE Select); coding-DNA position 607, G replaced by A.
Protein change: p.Gly203Arg; replaces glycine 203 with arginine.
Molecular consequence: missense variant. On other transcripts: 5 prime UTR variant (9), non-coding transcript variant (14), intron variant (4).
Genome position (GRCh38, 1-based): chr1:147,264,452, G>A. VCF-style: chr1-147264452-G-A. GRCh37 (hg19) VCF-style: chr1-146736111-G-A.
Other names: NC_000001.10:g.146736111G>A; c.307G>A, p.Gly103Arg (NM_001256336.3); c.391G>A, p.Gly131Arg (NM_001348451.2, NM_001348452.2); c.268G>A, p.Gly90Arg (NM_001348453.2, NM_024568.4); c.151G>A, p.Gly51Arg (NM_001348454.2); c.118G>A, p.Gly40Arg (NM_001348455.2); c.-237G>A (NM_001348456.2, NM_001348457.2, NM_001348458.2 and 6 more transcripts); c.-104-1480G>A (NM_001348460.2, NM_001348461.2, NM_001256337.3); and 1 more; short protein forms G103R, G131R, G203R, G40R, G51R, G90R.
Identifiers: ClinVar variation 3777964 (VCV003777964.9).